The following is an entry in ClinVar:

ClinVar aggregate classification (germline): Uncertain significance (1 of 4 stars; one submission).

Conditions:
TUB-related disorder. Also called: TUB-related condition.

Submission:

PreventionGenetics, part of Exact Sciences
Classification: Uncertain significance for TUB-related condition. Last evaluated: 2026-07-27. Review status: criteria provided, single submitter. Criteria: ACMG Guidelines, 2015. Collection method: clinical testing. Allele origin: germline.
Comment: The TUB c.266T>C variant is predicted to result in the amino acid substitution p.Leu89Pro. To our knowledge, this variant has not been reported in the literature or in a large population database (gnomAD), indicating this variant is rare. At this time, the clinical significance of this variant is uncertain due to the absence of conclusive functional and genetic evidence.

NM_177972.3(TUB):c.101T>C (p.Leu34Pro)

Gene: TUB (TUB bipartite transcription factor; plus strand). Cytogenetic location: 11p15.4.
Variant type: single nucleotide variant.
Coding change: c.101T>C on transcript NM_177972.3 (MANE Select); coding-DNA position 101, T replaced by C.
Protein change: p.Leu34Pro; replaces leucine 34 with proline.
Molecular consequence: missense variant.
Genome position (GRCh38, 1-based): chr11:8,090,079, T>C. VCF-style: chr11-8090079-T-C. GRCh37 (hg19) VCF-style: chr11-8111626-T-C.
Other names: c.119T>C, p.Leu40Pro (NM_001440538.1, NM_001440539.1, NM_001440540.1 and 1 more transcripts); c.101T>C, p.Leu34Pro (NM_001440541.1); c.266T>C, p.Leu89Pro (NM_003320.5); short protein forms L34P, L40P, L89P.
Identifiers: ClinVar variation 4992997 (VCV004992997.1).